The following is an entry in ClinVar:

ClinVar aggregate classification (germline): Uncertain significance. Review status: criteria provided, single submitter (1 of 4 stars). 2 submissions from 2 submitters: Uncertain significance (1). 1 of the submissions does not count toward it. Last evaluated 2020-09-09.

Conditions:
Leber congenital amaurosis (LCA). Also called: Leber's amaurosis. Identifiers: Orphanet 65, MedGen C0339527, MeSH D057130, MONDO:0018998.
Retinitis pigmentosa 12 (RP12). Also called: RP WITH OR WITHOUT PRESERVED PARAARTERIOLE RETINAL PIGMENT EPITHELIUM; RETINITIS PIGMENTOSA WITH OR WITHOUT PARAARTERIOLAR PRESERVATION OF RETINAL PIGMENT EPITHELIUM; RP WITH OR WITHOUT PPRPE. Identifiers: Orphanet 791, MedGen C1838647, MONDO:0010818, OMIM 600105.
Leber congenital amaurosis 8 (LCA8). Identifiers: Orphanet 65, MedGen C3151202, MONDO:0013453, OMIM 613835.

Allele frequency attached by ClinVar (database versions not stated): gnomAD exomes below 0.00001.
gnomAD v4.1: 4 of 1,613,974 alleles (0.00025%); highest among the groups gnomAD compares: African/African-American, 0.0013%; no homozygotes.

Submissions (2):

Labcorp Genetics (formerly Invitae), Labcorp
Classification: Uncertain significance for Leber congenital amaurosis 8; Retinitis pigmentosa 12. Last evaluated: 2020-09-09. Review status: criteria provided, single submitter. Criteria: Invitae Variant Classification Sherloc (09022015). Collection method: clinical testing. Allele origin: germline.
Comment: This variant is not present in population databases (ExAC no frequency). This sequence change replaces proline with leucine at codon 868 of the CRB1 protein (p.Pro868Leu). The proline residue is weakly conserved and there is a moderate physicochemical difference between proline and leucine. This variant has not been reported in the literature in individuals with CRB1-related conditions. In summary, the available evidence is currently insufficient to determine the role of this variant in disease. Therefore, it has been classified as a Variant of Uncertain Significance. Advanced modeling of protein sequence and biophysical properties (such as structural, functional, and spatial information, amino acid conservation, physicochemical variation, residue mobility, and thermodynamic stability) performed at Invitae indicates that this missense variant is not expected to disrupt CRB1 protein function.

Natera, Inc.
Classification: Uncertain significance for Leber congenital amaurosis. Last evaluated: 2020-12-02. Review status: no assertion criteria provided. Collection method: clinical testing. Allele origin: germline. Not counted in ClinVar's aggregate classification.

NM_201253.3(CRB1):c.2603C>T (p.Pro868Leu)

Gene: CRB1 (crumbs cell polarity complex component 1; plus strand). Cytogenetic location: 1q31.3.
Variant type: single nucleotide variant.
Coding change: c.2603C>T on transcript NM_201253.3 (MANE Select); coding-DNA position 2603, C replaced by T.
Protein change: p.Pro868Leu; replaces proline 868 with leucine.
Molecular consequence: missense variant. On other transcripts: non-coding transcript variant (2), intron variant (1).
Genome position (GRCh38, 1-based): chr1:197,427,928, C>T. VCF-style: chr1-197427928-C-T. GRCh37 (hg19) VCF-style: chr1-197397058-C-T.
Other names: c.2267C>T, p.Pro756Leu (NM_001193640.2); c.2396C>T, p.Pro799Leu (NM_001257965.2); c.2128+5972C>T (NM_001257966.2); short protein forms P756L, P799L, P868L.
Identifiers: ClinVar variation 1008914 (VCV001008914.9), dbSNP rs1664680830, ClinGen allele CA344038493.
Genomic context (GRCh38, chr1:197,427,928, plus strand): 5'-TCAAAGGCTGTATCCAAGATGTAAGACTAAACAACCAAAATCTGGAATTCTTTCCAAATC[C>T]AACAAACAATGCATCTCTCAATCCAGTTCTTGTCAATGTAACCCAAGGCTGTGCTGGAGA-3'
Protein context (NP_957705.1, residues 858-878): NNQNLEFFPN[Pro868Leu]TNNASLNPVL